The following is an entry in ClinVar:

NM_005334.3(HCFC1):c.5593C>T (p.Arg1865Cys)

Gene: HCFC1 (host cell factor C1; minus strand). Cytogenetic location: Xq28.
Variant type: single nucleotide variant.
Coding change: c.5593C>T on transcript NM_005334.3 (MANE Select); coding-DNA position 5593, C replaced by T.
Protein change: p.Arg1865Cys; replaces arginine 1865 with cysteine.
Molecular consequence: missense variant.
Genome position (GRCh38, 1-based): chrX:153,950,923, G>A on the plus strand (C>T on the coding strand, the complement: HCFC1 is on the minus strand). VCF-style: chrX-153950923-G-A. GRCh37 (hg19) VCF-style: chrX-153216374-G-A.
Other names: c.5728C>T, p.Arg1910Cys (NM_001410705.1); short protein forms R1865C, R1910C.
Identifiers: ClinVar variation 3359567 (VCV003359567.2).

ClinVar aggregate classification (germline): Uncertain significance (1 of 4 stars; one submission).

Submission:

GeneDx
Classification: Uncertain significance. Last evaluated: 2025-03-03. Review status: criteria provided, single submitter. Criteria: GeneDx Variant Classification Process June 2021. Collection method: clinical testing. Allele origin: germline.
Comment: Not observed at significant frequency in large population cohorts (gnomAD); In silico analysis supports that this missense variant has a deleterious effect on protein structure/function; Has not been previously published as pathogenic or benign to our knowledge